The following is an entry in ClinVar:

ClinVar aggregate classification (germline): Uncertain significance. Review status: criteria provided, multiple submitters, no conflicts (2 of 4 stars). 6 submissions from 5 submitters: Uncertain significance (5). 1 of the submissions does not count toward it. Last evaluated 2024-02-13.

Conditions:
Inborn genetic diseases. Identifiers: MedGen C0950123, MeSH D030342.
Leber congenital amaurosis 14 (LCA14). Identifiers: MedGen C2750063, MONDO:0013231, OMIM 613341.
Retinitis pigmentosa (RP). Identifiers: Orphanet 791, MedGen C0035334, MeSH D012174, MONDO:0019200, OMIM 268000. Inheritance: Autosomal dominant, autosomal recessive and X linked inheritance.

Allele frequency attached by ClinVar (database versions not stated): gnomAD 0.00005 and 0.00007; TOPMed 0.00008.

Submissions (6):

Blueprint Genetics
Classification: Uncertain significance. Last evaluated: 2024-02-13. Review status: criteria provided, single submitter. Criteria: ACMG Guidelines, 2015. Collection method: clinical testing. Allele origin: germline.

Labcorp Genetics (formerly Invitae), Labcorp
Classification: Uncertain significance. Last evaluated: 2022-04-19. Review status: criteria provided, single submitter. Criteria: Invitae Variant Classification Sherloc (09022015). Collection method: clinical testing. Allele origin: germline.
Comment: This sequence change replaces serine, which is neutral and polar, with tryptophan, which is neutral and slightly polar, at codon 27 of the LRAT protein (p.Ser27Trp). This variant is present in population databases (rs141705269, gnomAD 0.007%). This variant has not been reported in the literature in individuals affected with LRAT-related conditions. ClinVar contains an entry for this variant (Variation ID: 899603). Algorithms developed to predict the effect of missense changes on protein structure and function output the following: SIFT: "Deleterious"; PolyPhen-2: "Benign"; Align-GVGD: "Class C0". The tryptophan amino acid residue is found in multiple mammalian species, which suggests that this missense change does not adversely affect protein function. In summary, the available evidence is currently insufficient to determine the role of this variant in disease. Therefore, it has been classified as a Variant of Uncertain Significance.

Ambry Genetics
Classification: Uncertain significance for Inborn genetic diseases. Last evaluated: 2021-09-22. Review status: criteria provided, single submitter. Criteria: Ambry Variant Classification Scheme 2023. Collection method: clinical testing. Allele origin: germline.

Illumina Laboratory Services, Illumina
Classification: Uncertain significance for Leber congenital amaurosis 14. Last evaluated: 2018-01-13. Review status: criteria provided, single submitter. Criteria: ICSL Variant Classification Criteria 13 December 2019. Collection method: clinical testing. Allele origin: germline.

Illumina Laboratory Services, Illumina
Classification: Uncertain significance for Retinitis pigmentosa. Last evaluated: 2018-01-13. Review status: criteria provided, single submitter. Criteria: ICSL Variant Classification Criteria 13 December 2019. Collection method: clinical testing. Allele origin: germline.

Department of Pathology and Laboratory Medicine, Sinai Health System
Classification: Uncertain significance. Review status: no assertion criteria provided. Collection method: clinical testing. Allele origin: unknown. Affected: yes. Study: The Canadian Open Genetics Repository (COGR). Not counted in ClinVar's aggregate classification.
Comment: The LRAT p.Ser27Trp variant was not identified in the literature nor was it identified in ClinVar or LOVD 3.0. The variant was identified in dbSNP (ID: rs141705269) and in control databases in 11 of 282778 chromosomes at a frequency of 0.000039 (Genome Aggregation Database March 6, 2019, v2.1.1). The variant was observed in the following populations: European (non-Finnish) in 10 of 129158 chromosomes (freq: 0.000077) and African in 1 of 24956 chromosomes (freq: 0.00004), but was not observed in the Latino, Ashkenazi Jewish, East Asian, European (Finnish), Other or South Asian populations. The p.Ser27 residue is not conserved in mammals and computational analyses (PolyPhen-2, SIFT, AlignGVGD, BLOSUM, MutationTaster) provide inconsistent predictions regarding the impact to the protein; this information is not very predictive of pathogenicity. The variant occurs outside of the splicing consensus sequence and in silico or computational prediction software programs (SpliceSiteFinder, MaxEntScan, NNSPLICE, GeneSplicer) do not predict a difference in splicing. In summary, based on the above information the clinical significance of this variant cannot be determined with certainty at this time. This variant is classified as a variant of uncertain significance.

NM_004744.5(LRAT):c.80C>G (p.Ser27Trp)

Gene: LRAT (lecithin retinol acyltransferase; plus strand). Cytogenetic location: 4q32.1.
Variant type: single nucleotide variant.
Coding change: c.80C>G on transcript NM_004744.5 (MANE Select); coding-DNA position 80, C replaced by G.
Protein change: p.Ser27Trp; replaces serine 27 with tryptophan.
Molecular consequence: missense variant.
Genome position (GRCh38, 1-based): chr4:154,744,406, C>G. VCF-style: chr4-154744406-C-G. GRCh37 (hg19) VCF-style: chr4-155665558-C-G.
Other names: c.80C>G, p.Ser27Trp (NM_001301645.2); short protein forms S27W.
Identifiers: ClinVar variation 899603 (VCV000899603.10), dbSNP rs141705269, ClinGen allele CA3115814.